The following is an entry in ClinVar:

ClinVar aggregate classification (germline): Likely benign (1 of 4 stars; one submission).

gnomAD v4.1: 35 of 1,612,504 alleles (0.0022%); highest among the groups gnomAD compares: Middle Eastern, 0.033%; no homozygotes.

Submission:

CeGaT Center for Human Genetics Tuebingen
Classification: Likely benign. Last evaluated: 2025-05-01. Review status: criteria provided, single submitter. Criteria: CeGaT Center For Human Genetics Tuebingen Variant Classification Criteria Version 2. Collection method: clinical testing. Allele origin: germline. Affected: yes. Observed: 1 variant allele.
Comment: PLXNB2: BP4, BP7

NM_012401.4(PLXNB2):c.4581G>A (p.Ser1527=)

Gene: PLXNB2 (plexin B2; minus strand). Cytogenetic location: 22q13.33.
Variant type: single nucleotide variant.
Coding change: c.4581G>A on transcript NM_012401.4 (MANE Select); coding-DNA position 4581, G replaced by A.
Protein change: p.Ser1527=; no amino-acid change (serine 1527 retained).
Molecular consequence: synonymous variant.
Genome position (GRCh38, 1-based): chr22:50,278,662, C>T on the plus strand (G>A on the coding strand, the complement: PLXNB2 is on the minus strand). VCF-style: chr22-50278662-C-T. GRCh37 (hg19) VCF-style: chr22-50717091-C-T.
Other names: c.4818G>A, p.Ser1606= (NM_001376864.1); c.4650G>A, p.Ser1550= (NM_001376865.1); c.4581G>A, p.Ser1527= (NM_001376866.1, NM_001376867.1, NM_001376868.1 and 14 more transcripts); c.4557G>A, p.Ser1519= (NM_001376883.1); c.4503G>A, p.Ser1501= (NM_001376884.1, NM_001376885.1); c.4488G>A, p.Ser1496= (NM_001376886.1).
Identifiers: ClinVar variation 3905405 (VCV003905405.10).